The following is an entry in ClinVar:

NM_006914.4(RORB):c.193T>A (p.Cys65Ser)

Gene: RORB (RAR related orphan receptor B; plus strand). Cytogenetic location: 9q21.13.
Variant type: single nucleotide variant.
Coding change: c.193T>A on transcript NM_006914.4 (MANE Select); coding-DNA position 193, T replaced by A.
Protein change: p.Cys65Ser; replaces cysteine 65 with serine.
Molecular consequence: missense variant.
Genome position (GRCh38, 1-based): chr9:74,634,730, T>A. VCF-style: chr9-74634730-T-A. GRCh37 (hg19) VCF-style: chr9-77249646-T-A.
Other names: c.226T>A, p.Cys76Ser (NM_001365023.1); short protein forms C65S, C76S.
Identifiers: ClinVar variation 1709380 (VCV001709380.2), dbSNP rs2489566956, ClinGen allele CA373772312.

ClinVar aggregate classification (germline): Likely pathogenic (1 of 4 stars; one submission).

Conditions:
Epilepsy, idiopathic generalized, susceptibility to, 15 (EIG15). Identifiers: MedGen C5193050, MONDO:0032699, OMIM 618357.

Submission:

MGZ Medical Genetics Center
Classification: Likely pathogenic for Epilepsy, idiopathic generalized, susceptibility to, 15. Last evaluated: 2021-10-06. Review status: criteria provided, single submitter. Criteria: ACMG Guidelines, 2015. Collection method: clinical testing. Allele origin: germline. Affected: yes. Observed: 1 variant allele.
Comment: ACMG criteria applied: PS2, PM2_SUP, PP3